The following is an entry in ClinVar:

ClinVar aggregate classification (germline): Uncertain significance. Review status: criteria provided, multiple submitters, no conflicts (2 of 4 stars). 2 submissions from 2 submitters: Uncertain significance (2). Last evaluated 2024-01-30.

Conditions:
Inborn genetic diseases. Identifiers: MedGen C0950123, MeSH D030342.

Allele frequency attached by ClinVar (database versions not stated): gnomAD exomes below 0.00001; gnomAD 0.00005; TOPMed 0.00015.

Submissions (2):

Ambry Genetics
Classification: Uncertain significance for Inborn genetic diseases. Last evaluated: 2024-01-30. Review status: criteria provided, single submitter. Criteria: Ambry Variant Classification Scheme 2023. Collection method: clinical testing. Allele origin: germline.

Labcorp Genetics (formerly Invitae), Labcorp
Classification: Uncertain significance. Last evaluated: 2022-08-08. Review status: criteria provided, single submitter. Criteria: Invitae Variant Classification Sherloc (09022015). Collection method: clinical testing. Allele origin: germline.
Comment: This sequence change replaces tryptophan, which is neutral and slightly polar, with arginine, which is basic and polar, at codon 120 of the AAAS protein (p.Trp120Arg). This variant is not present in population databases (gnomAD no frequency). This variant has not been reported in the literature in individuals affected with AAAS-related conditions. Algorithms developed to predict the effect of missense changes on protein structure and function output the following: SIFT: "Tolerated"; PolyPhen-2: "Benign"; Align-GVGD: "Class C0". The arginine amino acid residue is found in multiple mammalian species, which suggests that this missense change does not adversely affect protein function. In summary, the available evidence is currently insufficient to determine the role of this variant in disease. Therefore, it has been classified as a Variant of Uncertain Significance.

NM_015665.6(AAAS):c.358T>C (p.Trp120Arg)

Gene: AAAS (aladin WD repeat nucleoporin; minus strand). Cytogenetic location: 12q13.13.
Variant type: single nucleotide variant.
Coding change: c.358T>C on transcript NM_015665.6 (MANE Select); coding-DNA position 358, T replaced by C.
Protein change: p.Trp120Arg; replaces tryptophan 120 with arginine.
Molecular consequence: missense variant.
Genome position (GRCh38, 1-based): chr12:53,315,376, A>G on the plus strand (T>C on the coding strand, the complement: AAAS is on the minus strand). VCF-style: chr12-53315376-A-G. GRCh37 (hg19) VCF-style: chr12-53709160-A-G.
Other names: c.358T>C, p.Trp120Arg (NM_001173466.2); c.358T>C (NM_015665.5); short protein forms W120R.
Identifiers: ClinVar variation 2182120 (VCV002182120.2), dbSNP rs1004811657, ClinGen allele CA237336179.